The following is an entry in ClinVar:

NM_170606.3(KMT2C):c.9291G>A (p.Met3097Ile)

Gene: KMT2C (lysine methyltransferase 2C; minus strand). Cytogenetic location: 7q36.1.
Variant type: single nucleotide variant.
Coding change: c.9291G>A on transcript NM_170606.3 (MANE Select); coding-DNA position 9291, G replaced by A.
Protein change: p.Met3097Ile; replaces methionine 3097 with isoleucine.
Molecular consequence: missense variant.
Genome position (GRCh38, 1-based): chr7:152,174,214, C>T on the plus strand (G>A on the coding strand, the complement: KMT2C is on the minus strand). VCF-style: chr7-152174214-C-T. GRCh37 (hg19) VCF-style: chr7-151871299-C-T.
Other names: p.Met3097Ile; short protein forms M3097I.
Identifiers: ClinVar variation 1321873 (VCV001321873.3), dbSNP rs747180312, ClinGen allele CA370073838.
Genomic context (GRCh38, chr7:152,174,214, plus strand): 5'-GCCCAGATTGTTTTGTGCCATCACTTTATTTATACCTTTAAGGGCCACCATTTTGGCTTT[C>T]ATTATAGGATCTGTAATTGCATCAAAATCTAGAAAAGAAATATAAAGTTACTTATTTCAT-3'
Protein context (NP_733751.2, residues 3087-3107): IDFDAITDPI[Met3097Ile]KAKMVALKGI

ClinVar aggregate classification (germline): Uncertain significance (1 of 4 stars; one submission).

Conditions:
Kleefstra syndrome 2 (KLEFS2). Identifiers: MedGen C4540395, MONDO:0054701, OMIM 617768.

gnomAD v4.1: 3 of 1,600,272 alleles (0.00019%); highest among the groups gnomAD compares: South Asian, 0.0033%; no homozygotes.

Submission:

Foundation for Research in Genetics and Endocrinology, FRIGE's Institute of Human Genetics
Classification: Uncertain significance for Kleefstra syndrome 2. Last evaluated: 2021-02-04. Review status: criteria provided, single submitter. Criteria: ACMG Guidelines, 2015. Collection method: research. Allele origin: maternal. Inheritance: Autosomal dominant inheritance. Affected: yes. Observed: 1 heterozygote.
Comment: A heterozygous missense variation in exon 39 of the KMT2C gene that results in the amino acid substitution of Isoleucine for Methionine at codon 3097 was detected. The observed variant c.9291G>A (p.Met3097Ile) has not been reported in the 1000 genomes and gnomAD databases. The in silico prediction of the variant is damaging by SIFT, LRT and MutationTaster2. The reference codon is conserved across species. In summary, the variant meets our criteria to be classified as a variant of uncertain significance.